The following is an entry in ClinVar:

ClinVar aggregate classification (germline): Conflicting classifications of pathogenicity. Review status: criteria provided, conflicting classifications (1 of 4 stars). 13 submissions from 13 submitters: Uncertain significance (8); Likely benign (2). 3 of the submissions do not count toward it. Last evaluated 2025-12-21.

Conditions:
ATM-related disorder. Also called: ATM-related disorders; ATM-related condition.
Breast and/or ovarian cancer. Identifiers: MedGen CN221562.
Hereditary cancer-predisposing syndrome. Also called: Tumor predisposition; Hereditary neoplastic syndrome; Neoplastic Syndromes, Hereditary; Hereditary Cancer Syndrome. Identifiers: Orphanet 140162, MedGen C0027672, MeSH D009386, MONDO:0015356.
Familial cancer of breast. Also called: BREAST CANCER, FAMILIAL; Hereditary breast cancer; hereditary breast carcinoma. Identifiers: Orphanet 227535, MedGen C0346153, MONDO:0016419, OMIM 114480. Disease mechanism: loss of function.
Ataxia-telangiectasia syndrome (AT). Also called: ATAXIA-TELANGIECTASIA, COMPLEMENTATION GROUP A; ATAXIA-TELANGIECTASIA, FRESNO VARIANT; Ataxia-telangiectasia; LOUIS-BAR SYNDROME; Cerebello-oculocutaneous telangiectasia; Immunodeficiency with ataxia telangiectasia. Identifiers: Orphanet 100, MedGen C0004135, MONDO:0008840, OMIM 208900.

Allele frequency attached by ClinVar (database versions not stated): gnomAD 0.00001 and 0.00003; gnomAD exomes 0.00001 and 0.00003; ExAC 0.00002; TOPMed 0.00002; 1000 Genomes Project 0.00040; 1000 Genomes Project 30x 0.00062.
gnomAD v4.1: 17 of 1,613,808 alleles (0.0011%); highest among the groups gnomAD compares: Admixed American, 0.005%; no homozygotes.

Submissions (13):

Labcorp Genetics (formerly Invitae), Labcorp
Classification: Uncertain significance for Ataxia-telangiectasia syndrome. Last evaluated: 2025-12-21. Review status: criteria provided, single submitter. Criteria: Invitae Variant Classification Sherloc (09022015). Collection method: clinical testing. Allele origin: germline.
Comment: This sequence change replaces valine, which is neutral and non-polar, with isoleucine, which is neutral and non-polar, at codon 341 of the ATM protein (p.Val341Ile). This variant is present in population databases (rs200601781, gnomAD 0.01%). This missense change has been observed in individual(s) with clinical features of ATM-related conditions (PMID: 25186627, 28726808, 33309985). ClinVar contains an entry for this variant (Variation ID: 133643). Invitae Evidence Modeling of protein sequence and biophysical properties (such as structural, functional, and spatial information, amino acid conservation, physicochemical variation, residue mobility, and thermodynamic stability) indicates that this missense variant is not expected to disrupt ATM protein function with a negative predictive value of 95%. In summary, the available evidence is currently insufficient to determine the role of this variant in disease. Therefore, it has been classified as a Variant of Uncertain Significance.

Center for Genomic Medicine, Rigshospitalet, Copenhagen University Hospital
Classification: Uncertain significance. Last evaluated: 2025-03-04. Review status: criteria provided, single submitter. Criteria: ACMG Guidelines, 2015. Collection method: clinical testing. Allele origin: germline.
Comment: Classification criteria: BP4

Color Diagnostics, LLC DBA Color Health
Classification: Likely benign for Hereditary cancer-predisposing syndrome. Last evaluated: 2024-09-18. Review status: criteria provided, single submitter. Criteria: ACMG Guidelines, 2015. Collection method: clinical testing. Allele origin: germline.

GeneDx
Classification: Uncertain significance. Last evaluated: 2023-12-19. Review status: criteria provided, single submitter. Criteria: GeneDx Variant Classification Process June 2021. Collection method: clinical testing. Allele origin: germline. Affected: yes.
Comment: In silico analysis supports that this missense variant does not alter protein structure/function; This variant is associated with the following publications: (PMID: 28726808, 33309985, 28873162, 25186627, 24728327)

CHEO Genetics Diagnostic Laboratory, Children's Hospital of Eastern Ontario
Classification: Uncertain significance for Breast and/or ovarian cancer. Last evaluated: 2023-02-07. Review status: criteria provided, single submitter. Criteria: ACMG Guidelines, 2015. Collection method: clinical testing. Allele origin: germline.

Women's Health and Genetics/Laboratory Corporation of America, LabCorp
Classification: Uncertain significance. Last evaluated: 2022-12-08. Review status: criteria provided, single submitter. Criteria: LabCorp Variant Classification Summary - May 2015. Collection method: clinical testing. Allele origin: germline.
Comment: Variant summary: ATM c.1021G>A (p.Val341Ile) results in a conservative amino acid change in the encoded protein sequence. Four of five in-silico tools predict a benign effect of the variant on protein function. The variant allele was found at a frequency of 2.8e-05 in 251114 control chromosomes. The available data on variant occurrences in the general population are insufficient to allow any conclusion about variant significance. c.1021G>A has been reported in the literature in individuals affected with breast, pancreatic, or colorectal cancer. These reports do not provide unequivocal conclusions about association of the variant with Ataxia-Telangiectasia. Co-occurrence with a pathogenic variant has been reported (BRCA1 c.3756_3759del, p.Ser1253Argfs*10), providing supporting evidence for a benign role. To our knowledge, no experimental evidence demonstrating an impact on protein function has been reported. Seven clinical diagnostic laboratories have submitted clinical-significance assessments for this variant to ClinVar after 2014 without evidence for independent evaluation. Multiple laboratories reported the variant with conflicting assessments (VUS n=5, likely benign n=2). Based on the evidence outlined above, the variant was classified as uncertain significance.

MGZ Medical Genetics Center
Classification: Uncertain significance for Familial cancer of breast. Last evaluated: 2022-03-25. Review status: criteria provided, single submitter. Criteria: ACMG Guidelines, 2015. Collection method: clinical testing. Allele origin: germline. Affected: yes. Observed: 1 variant allele.
Comment: ACMG criteria applied: PM2_SUP, BP4

Sema4
Classification: Uncertain significance for Hereditary cancer-predisposing syndrome. Last evaluated: 2021-11-18. Review status: criteria provided, single submitter. Criteria: Sema4 Curation Guidelines. Collection method: curation. Allele origin: germline.
Comment: The ATM c.1021G>A (p.V341I) variant has been reported in at least one individual with advanced cancer (PMID: 28873162). This variant was observed in 3/16238 chromosomes in the African/African American population, according to the Genome Aggregation Database (PMID: 32461654). This variant has been reported in ClinVar (Variation ID: 133643). Functional studies have not been performed, and in silico predictions of the variant's effect on protein function are inconclusive. The evidence is insufficient to meet ACMG/AMP criteria for classifying the variant as benign or pathogenic. Thus, the clinical significance of this variant is currently uncertain.

Athena Diagnostics
Classification: Uncertain significance. Last evaluated: 2021-09-29. Review status: criteria provided, single submitter. Criteria: Athena Diagnostics Criteria. Collection method: clinical testing. Allele origin: unknown.

Ambry Genetics
Classification: Likely benign for Hereditary cancer-predisposing syndrome. Last evaluated: 2018-11-06. Review status: criteria provided, single submitter. Criteria: Ambry Variant Classification Scheme 2023. Collection method: clinical testing. Allele origin: germline.

PreventionGenetics, part of Exact Sciences
Classification: Uncertain significance for ATM-related condition. Last evaluated: 2024-05-31. Review status: no assertion criteria provided. Collection method: clinical testing. Allele origin: germline. Not counted in ClinVar's aggregate classification.
Comment: The ATM c.1021G>A variant is predicted to result in the amino acid substitution p.Val341Ile. This variant has been reported in individuals with breast, pancreatic, or colorectal cancer (Supplementary Information in Tung et al 2014. PubMed ID: 25186627; Supplementary Table 2 in Chaffee et al. 2017. PubMed ID: 28726808; Supplementary Table 5 in Fujita et al 2020. PubMed ID: 33309985). This variant is reported in 0.018% of alleles in individuals of African descent in gnomAD and has conflicting interpretations in ClinVar of uncertain and likely benign. At this time, the clinical significance of this variant is uncertain due to the absence of conclusive functional and genetic evidence.

Counsyl
Classification: Uncertain significance for Ataxia-telangiectasia syndrome. Last evaluated: 2017-09-12. Review status: no assertion criteria provided. Collection method: clinical testing. Allele origin: unknown. Not counted in ClinVar's aggregate classification.

ITMI
No classification provided. Condition: AllHighlyPenetrant. Last evaluated: 2013-09-19. Review status: no classification provided. Collection method: reference population. Allele origin: germline. Not counted in ClinVar's aggregate classification.
Comment: Please see associated publication for description of ethnicities

Literature cited by the submitters: PubMed 25186627 (cited by Labcorp Genetics (formerly Invitae), Labcorp and Women's Health and Genetics/Laboratory Corporation of America, LabCorp); PubMed 28726808 (cited by Labcorp Genetics (formerly Invitae), Labcorp and Women's Health and Genetics/Laboratory Corporation of America, LabCorp); PubMed 33309985 (cited by Labcorp Genetics (formerly Invitae), Labcorp and Women's Health and Genetics/Laboratory Corporation of America, LabCorp); PubMed 28873162 (cited by Sema4); PubMed 24728327 (cited by 3 submitters).

NM_000051.4(ATM):c.1021G>A (p.Val341Ile)

Gene: ATM (ATM serine/threonine kinase; plus strand). Cytogenetic location: 11q22.3.
Variant type: single nucleotide variant.
Coding change: c.1021G>A on transcript NM_000051.4 (MANE Select); coding-DNA position 1021, G replaced by A.
Protein change: p.Val341Ile; replaces valine 341 with isoleucine.
Molecular consequence: missense variant.
Genome position (GRCh38, 1-based): chr11:108,247,083, G>A. VCF-style: chr11-108247083-G-A. GRCh37 (hg19) VCF-style: chr11-108117810-G-A.
Other names: c.1021G>A, p.Val341Ile (NM_001351834.2); short protein forms V341I.
Identifiers: ClinVar variation 133643 (VCV000133643.31), dbSNP rs200601781, ClinGen allele CA157207.
Genomic context (GRCh38, chr11:108,247,083, plus strand): 5'-AATGAGATAAGTCATATAGGAAGTAGAGGAAAGTATTCTTCAGGATTTCGTAATATTGCC[G>A]TCAAAGAAAATTTGATTGAATTGATGGCAGATATCTGTCACCAGGTACAGTAAGTAGGTC-3'
Protein context (NP_000042.3, residues 331-351): KYSSGFRNIA[Val341Ile]KENLIELMAD